The following is an entry in ClinVar:

NM_001365088.1(SLC12A6):c.1707A>G (p.Pro569=)

Gene: SLC12A6 (solute carrier family 12 member 6; minus strand). Cytogenetic location: 15q14.
Variant type: single nucleotide variant.
Coding change: c.1707A>G on transcript NM_001365088.1 (MANE Select); coding-DNA position 1707, A replaced by G.
Protein change: p.Pro569=; no amino-acid change (proline 569 retained).
Molecular consequence: synonymous variant.
Genome position (GRCh38, 1-based): chr15:34,245,810, T>C on the plus strand (A>G on the coding strand, the complement: SLC12A6 is on the minus strand). VCF-style: chr15-34245810-T-C. GRCh37 (hg19) VCF-style: chr15-34538011-T-C.
Other names: c.1530A>G, p.Pro510= (NM_001042494.2, NM_001042495.2); c.1680A>G, p.Pro560= (NM_001042496.2); c.1662A>G, p.Pro554= (NM_001042497.2); c.1554A>G, p.Pro518= (NM_005135.2); c.1707A>G, p.Pro569= (NM_133647.2).
Identifiers: ClinVar variation 383689 (VCV000383689.19), dbSNP rs764272139, ClinGen allele CA7464234.

ClinVar aggregate classification (germline): Conflicting classifications of pathogenicity. Review status: criteria provided, conflicting classifications (1 of 4 stars). 5 submissions from 5 submitters: Uncertain significance (1); Likely benign (4). Last evaluated 2025-01-04.

Conditions:
Inborn genetic diseases. Identifiers: MedGen C0950123, MeSH D030342.
Agenesis of the corpus callosum with peripheral neuropathy (ACCPN). Also called: CHARLEVOIX DISEASE; POLYNEUROPATHY, SENSORIMOTOR, WITH OR WITHOUT AGENESIS OF THE CORPUS CALLOSUM; HMSN/ACC; Hereditary Motor and Sensory Neuropathy with Agenesis of the Corpus Callosum. Identifiers: Orphanet 1496, MedGen C0795950, MONDO:0000902, OMIM 218000. Disease mechanism: loss of function.

Allele frequency attached by ClinVar (database versions not stated): gnomAD 0.00001; TOPMed 0.00004.
gnomAD v4.1: 45 of 1,613,570 alleles (0.0028%); highest among the groups gnomAD compares: East Asian, 0.085%; no homozygotes.

Submissions (5):

Ambry Genetics
Classification: Likely benign for Inborn genetic diseases. Last evaluated: 2025-01-04. Review status: criteria provided, single submitter. Criteria: Ambry Variant Classification Scheme 2023. Collection method: clinical testing. Allele origin: germline.

Labcorp Genetics (formerly Invitae), Labcorp
Classification: Likely benign. Last evaluated: 2024-06-17. Review status: criteria provided, single submitter. Criteria: Invitae Variant Classification Sherloc (09022015). Collection method: clinical testing. Allele origin: germline.

Genome-Nilou Lab
Classification: Likely benign for Agenesis of the corpus callosum with peripheral neuropathy. Last evaluated: 2021-07-15. Review status: criteria provided, single submitter. Criteria: ACMG Guidelines, 2015. Collection method: clinical testing. Allele origin: germline. Affected: no.

Illumina Laboratory Services, Illumina
Classification: Uncertain significance for Agenesis of the corpus callosum with peripheral neuropathy. Last evaluated: 2018-01-12. Review status: criteria provided, single submitter. Criteria: ICSL Variant Classification Criteria 13 December 2019. Collection method: clinical testing. Allele origin: germline.

GeneDx
Classification: Likely benign. Last evaluated: 2016-02-16. Review status: criteria provided, single submitter. Criteria: GeneDx Variant Classification (06012015). Collection method: clinical testing. Allele origin: germline. Affected: yes.
Comment: This variant is considered likely benign or benign based on one or more of the following criteria: it is a conservative change, it occurs at a poorly conserved position in the protein, it is predicted to be benign by multiple in silico algorithms, and/or has population frequency not consistent with disease.